The following is an entry in ClinVar:

ClinVar aggregate classification (germline): Likely benign. Review status: criteria provided, multiple submitters, no conflicts (2 of 4 stars). 4 submissions from 4 submitters: Likely benign (4). Last evaluated 2025-05-27.

Allele frequency attached by ClinVar (database versions not stated): gnomAD exomes 0.00011 and 0.00012; 1000 Genomes Project 30x 0.00016; ExAC 0.00016; gnomAD 0.00019 and 0.00020; 1000 Genomes Project 0.00020; TOPMed 0.00023; ESP Exome Variant Server 0.00031.
gnomAD v4.1: 208 of 1,614,222 alleles (0.013%); highest among the groups gnomAD compares: Middle Eastern, 0.016%; no homozygotes.

Submissions (4):

Labcorp Genetics (formerly Invitae), Labcorp
Classification: Likely benign. Last evaluated: 2025-05-27. Review status: criteria provided, single submitter. Criteria: Invitae Variant Classification Sherloc (09022015). Collection method: clinical testing. Allele origin: germline.

Blueprint Genetics
Classification: Likely benign. Last evaluated: 2024-05-16. Review status: criteria provided, single submitter. Criteria: ACMG Guidelines, 2015. Collection method: clinical testing. Allele origin: germline.

CeGaT Center for Human Genetics Tuebingen
Classification: Likely benign. Last evaluated: 2022-05-01. Review status: criteria provided, single submitter. Criteria: CeGaT Center For Human Genetics Tuebingen Variant Classification Criteria Version 2. Collection method: clinical testing. Allele origin: germline. Affected: yes. Observed: 2 variant alleles.
Comment: ARID1A: BP4, BP7

GeneDx
Classification: Likely benign. Last evaluated: 2020-12-08. Review status: criteria provided, single submitter. Criteria: GeneDx Variant Classification Process June 2021. Collection method: clinical testing. Allele origin: germline. Affected: yes.

NM_006015.6(ARID1A):c.6582C>T (p.Asn2194=)

Gene: ARID1A (AT-rich interaction domain 1A; plus strand). Cytogenetic location: 1p36.11.
Variant type: single nucleotide variant.
Coding change: c.6582C>T on transcript NM_006015.6 (MANE Select); coding-DNA position 6582, C replaced by T.
Protein change: p.Asn2194=; no amino-acid change (asparagine 2194 retained).
Molecular consequence: synonymous variant.
Genome position (GRCh38, 1-based): chr1:26,780,480, C>T. VCF-style: chr1-26780480-C-T. GRCh37 (hg19) VCF-style: chr1-27106971-C-T.
Other names: c.5931C>T, p.Asn1977= (NM_139135.4).
Identifiers: ClinVar variation 1191669 (VCV001191669.32), dbSNP rs138280531, ClinGen allele CA707856.